The following is an entry in ClinVar:

ClinVar aggregate classification (germline): Uncertain significance (1 of 4 stars; one submission).

Conditions:
Inborn genetic diseases. Identifiers: MedGen C0950123, MeSH D030342.

Submission:

Ambry Genetics
Classification: Uncertain significance for Inborn genetic diseases. Last evaluated: 2025-08-03. Review status: criteria provided, single submitter. Criteria: Ambry Variant Classification Scheme 2023. Collection method: clinical testing. Allele origin: germline.
Comment: The p.A449S variant (also known as c.1345G>T), located in coding exon 10 of the DNMT3A gene, results from a G to T substitution at nucleotide position 1345. The alanine at codon 449 is replaced by serine, an amino acid with similar properties. This amino acid position is conserved. In addition, the in silico prediction for this alteration is inconclusive. Based on the available evidence, the clinical significance of this variant remains unclear.

NM_022552.5(DNMT3A):c.1345G>T (p.Ala449Ser)

Gene: DNMT3A (DNA methyltransferase 3 alpha; minus strand). Cytogenetic location: 2p23.3.
Variant type: single nucleotide variant.
Coding change: c.1345G>T on transcript NM_022552.5 (MANE Select); coding-DNA position 1345, G replaced by T.
Protein change: p.Ala449Ser; replaces alanine 449 with serine.
Molecular consequence: missense variant. On other transcripts: non-coding transcript variant (1).
Genome position (GRCh38, 1-based): chr2:25,246,244, C>A on the plus strand (G>T on the coding strand, the complement: DNMT3A is on the minus strand). VCF-style: chr2-25246244-C-A. GRCh37 (hg19) VCF-style: chr2-25469113-C-A.
Other names: c.889G>T, p.Ala297Ser (NM_001320893.1); c.676G>T, p.Ala226Ser (NM_001375819.1); c.778G>T, p.Ala260Ser (NM_153759.3); c.1345G>T, p.Ala449Ser (NM_175629.2); short protein forms A260S, A449S, A297S, A226S.
Identifiers: ClinVar variation 4243613 (VCV004243613.1).